The following is an entry in ClinVar:

ClinVar aggregate classification (germline): Uncertain significance (1 of 4 stars; one submission).

Conditions:
Aortic aneurysm, familial thoracic 4 (AAT4). Also called: AORTIC ANEURYSM/AORTIC DISSECTION AND PATENT DUCTUS ARTERIOSUS. Identifiers: MedGen C1851504, MONDO:0007568, OMIM 132900.

Allele frequency attached by ClinVar (database versions not stated): gnomAD exomes below 0.00001.
gnomAD v4.1: 1 of 1,614,074 alleles (0.000062%); highest among the groups gnomAD compares: Non-Finnish European, 0.000085%; no homozygotes.

Submission:

Neuberg Centre For Genomic Medicine, NCGM
Classification: Uncertain significance for Aortic aneurysm, familial thoracic 4. Review status: criteria provided, single submitter. Criteria: ACMG Guidelines, 2015. Collection method: clinical testing. Allele origin: germline. Inheritance: Autosomal dominant inheritance. Affected: yes.
Comment: The missense variant in c.34A>G (p.Lys12Glu) in MYH11 gene has not been reported previously as a pathogenic variant nor as a benign variant, to our knowledge. The p.Lys12Glu variant is novel (not in any individuals) in gnomAD Exomes and 1000 Genomes. The amino acid Lys at position 12 is changed to a Glu changing protein sequence and it might alter its composition and physico-chemical properties. The amino acid change p.Lys12Glu in MYH11 is predicted as conserved by GERP++ and PhyloP across 100 vertebrates. For these reasons, this variant has been classified as uncertain significance.

NM_002474.3(MYH11):c.34A>G (p.Lys12Glu)

Gene: MYH11 (myosin heavy chain 11; minus strand). Cytogenetic location: 16p13.11.
Variant type: single nucleotide variant.
Coding change: c.34A>G on transcript NM_002474.3 (MANE Select); coding-DNA position 34, A replaced by G.
Protein change: p.Lys12Glu; replaces lysine 12 with glutamic acid.
Molecular consequence: missense variant.
Genome position (GRCh38, 1-based): chr16:15,838,219, T>C on the plus strand (A>G on the coding strand, the complement: MYH11 is on the minus strand). VCF-style: chr16-15838219-T-C. GRCh37 (hg19) VCF-style: chr16-15932076-T-C.
Other names: c.34A>G, p.Lys12Glu (NM_001040113.2, NM_001040114.2, NM_022844.3); short protein forms K12E.
Identifiers: ClinVar variation 2584857 (VCV002584857.1), dbSNP rs2043957775, ClinGen allele CA395199081.
Genomic context (GRCh38, chr16:15,838,219, plus strand): 5'-CGGCCCAGTCAGCCTGGGCCACTGGGCTGTTGATGAAGTTTTTGTCCACAAAGAGGAACT[T>C]CTCATCGTCACTGAGTTGGCCCTTCTGCGCCATGGTGCCTTGTTGGTCCCCTGTGGAATA-3'
Protein context (NP_002465.1, residues 2-22): AQKGQLSDDE[Lys12Glu]FLFVDKNFIN